The following is an entry in ClinVar:

NM_016222.4(DDX41):c.647T>C (p.Leu216Pro)

Gene: DDX41 (DEAD-box helicase 41; minus strand). Cytogenetic location: 5q35.3.
Variant type: single nucleotide variant.
Coding change: c.647T>C on transcript NM_016222.4 (MANE Select); coding-DNA position 647, T replaced by C.
Protein change: p.Leu216Pro; replaces leucine 216 with proline.
Molecular consequence: missense variant.
Genome position (GRCh38, 1-based): chr5:177,515,067, A>G on the plus strand (T>C on the coding strand, the complement: DDX41 is on the minus strand). VCF-style: chr5-177515067-A-G. GRCh37 (hg19) VCF-style: chr5-176942068-A-G.
Other names: c.269T>C, p.Leu90Pro (NM_001321732.2, NM_001321830.2); short protein forms L216P, L90P.
Identifiers: ClinVar variation 2498045 (VCV002498045.2), dbSNP rs1761162090, ClinGen allele CA362375505.

ClinVar aggregate classification (germline): Uncertain significance. Review status: criteria provided, multiple submitters, no conflicts (2 of 4 stars). 2 submissions from 2 submitters: Uncertain significance (2). Last evaluated 2025-06-09.

Conditions:
Inborn genetic diseases. Identifiers: MedGen C0950123, MeSH D030342.

Allele frequency attached by ClinVar (database versions not stated): TOPMed below 0.00001; gnomAD 0.00001.

Submissions (2):

Ambry Genetics
Classification: Uncertain significance for Inborn genetic diseases. Last evaluated: 2025-06-09. Review status: criteria provided, single submitter. Criteria: Ambry Variant Classification Scheme 2023. Collection method: clinical testing. Allele origin: germline.
Comment: The p.L216P variant (also known as c.647T>C), located in coding exon 8 of the DDX41 gene, results from a T to C substitution at nucleotide position 647. The leucine at codon 216 is replaced by proline, an amino acid with similar properties. This amino acid position is highly conserved in available vertebrate species. In addition, this alteration is predicted to be deleterious by in silico analysis. Based on the available evidence, the clinical significance of this variant remains unclear.

GeneDx
Classification: Uncertain significance. Last evaluated: 2022-10-06. Review status: criteria provided, single submitter. Criteria: GeneDx Variant Classification Process June 2021. Collection method: clinical testing. Allele origin: germline. Affected: yes.
Comment: Not observed at significant frequency in large population cohorts (gnomAD); In silico analysis supports that this missense variant has a deleterious effect on protein structure/function; Has not been previously published as pathogenic or benign to our knowledge; This variant is associated with the following publications: (PMID: 27721487)